The following is an entry in ClinVar:

ClinVar aggregate classification (germline): Conflicting classifications of pathogenicity. Review status: criteria provided, conflicting classifications (1 of 4 stars). 8 submissions from 8 submitters: Uncertain significance (2); Likely benign (6). Last evaluated 2026-01-31.

Conditions:
Norman-Roberts syndrome (LIS2). Also called: Lissencephaly 2 (Norman-Roberts type). Identifiers: Orphanet 89844, MedGen C0796089, MONDO:0009760, OMIM 257320.
Familial temporal lobe epilepsy 7. Identifiers: Orphanet 101046, MedGen C4225327, MONDO:0014639, OMIM 616436.

Allele frequency attached by ClinVar (database versions not stated): gnomAD 0.00029; gnomAD exomes 0.00041 and 0.00090; TOPMed 0.00043; ExAC 0.00044; ESP Exome Variant Server 0.00046.
gnomAD v4.1: 1,351 of 1,613,472 alleles (0.084%); highest among the groups gnomAD compares: Non-Finnish European, 0.11%; 2 homozygotes.

Submissions (8):

Labcorp Genetics (formerly Invitae), Labcorp
Classification: Likely benign for Familial temporal lobe epilepsy 7; Norman-Roberts syndrome. Last evaluated: 2026-01-31. Review status: criteria provided, single submitter. Criteria: Invitae Variant Classification Sherloc (09022015). Collection method: clinical testing. Allele origin: germline.

CeGaT Center for Human Genetics Tuebingen
Classification: Likely benign. Last evaluated: 2026-01-01. Review status: criteria provided, single submitter. Criteria: CeGaT Center For Human Genetics Tuebingen Variant Classification Criteria Version 2. Collection method: clinical testing. Allele origin: germline. Affected: yes. Observed: 10 variant alleles.
Comment: RELN: BP4, BP7

Mayo Clinic Laboratories, Mayo Clinic
Classification: Likely benign. Last evaluated: 2024-12-20. Review status: criteria provided, single submitter. Criteria: ACMG Guidelines, 2015. Collection method: clinical testing. Allele origin: germline. Observed: 3 variant alleles.
Comment: BP4, BP7

Blueprint Genetics
Classification: Likely benign. Last evaluated: 2024-10-29. Review status: criteria provided, single submitter. Criteria: ACMG Guidelines, 2015. Collection method: clinical testing. Allele origin: germline.

GeneDx
Classification: Likely benign. Last evaluated: 2021-08-11. Review status: criteria provided, single submitter. Criteria: GeneDx Variant Classification Process June 2021. Collection method: clinical testing. Allele origin: germline. Affected: yes.

Athena Diagnostics
Classification: Likely benign. Last evaluated: 2018-01-24. Review status: criteria provided, single submitter. Criteria: Athena Diagnostics Criteria. Collection method: clinical testing. Allele origin: germline.

Illumina Laboratory Services, Illumina
Classification: Uncertain significance for Norman-Roberts syndrome. Last evaluated: 2018-01-12. Review status: criteria provided, single submitter. Criteria: ICSL Variant Classification Criteria 13 December 2019. Collection method: clinical testing. Allele origin: germline.

Eurofins Ntd Llc (ga)
Classification: Uncertain significance. Last evaluated: 2013-10-07. Review status: criteria provided, single submitter. Criteria: EGL Classification Definitions 2015. Collection method: clinical testing. Allele origin: germline. Observed: 4 variant alleles, 4 heterozygotes.

NM_005045.4(RELN):c.5643G>A (p.Leu1881=)

Gene: RELN (reelin; minus strand). Cytogenetic location: 7q22.1.
Variant type: single nucleotide variant.
Coding change: c.5643G>A on transcript NM_005045.4 (MANE Select); coding-DNA position 5643, G replaced by A.
Protein change: p.Leu1881=; no amino-acid change (leucine 1881 retained).
Molecular consequence: synonymous variant.
Genome position (GRCh38, 1-based): chr7:103,557,131, C>T on the plus strand (G>A on the coding strand, the complement: RELN is on the minus strand). VCF-style: chr7-103557131-C-T. GRCh37 (hg19) VCF-style: chr7-103197578-C-T.
Other names: p.Leu1881=; c.5643G>A, p.Leu1881= (NM_173054.3).
Identifiers: ClinVar variation 95222 (VCV000095222.66), dbSNP rs141387255, ClinGen allele CA222820.